The following is an entry in ClinVar:

ClinVar aggregate classification (germline): Uncertain significance (1 of 4 stars; one submission).

Submission:

Labcorp Genetics (formerly Invitae), Labcorp
Classification: Uncertain significance. Last evaluated: 2023-10-19. Review status: criteria provided, single submitter. Criteria: Invitae Variant Classification Sherloc (09022015). Collection method: clinical testing. Allele origin: germline.
Comment: This sequence change replaces aspartic acid, which is acidic and polar, with asparagine, which is neutral and polar, at codon 58 of the CCT2 protein (p.Asp58Asn). This variant is not present in population databases (gnomAD no frequency). This variant has not been reported in the literature in individuals affected with CCT2-related conditions. An algorithm developed to predict the effect of missense changes on protein structure and function (PolyPhen-2) suggests that this variant is likely to be tolerated. In summary, the available evidence is currently insufficient to determine the role of this variant in disease. Therefore, it has been classified as a Variant of Uncertain Significance.

NM_006431.3(CCT2):c.172G>A (p.Asp58Asn)

Gene: CCT2 (chaperonin containing TCP1 subunit 2; plus strand). Cytogenetic location: 12q15.
Variant type: single nucleotide variant.
Coding change: c.172G>A on transcript NM_006431.3 (MANE Select); coding-DNA position 172, G replaced by A.
Protein change: p.Asp58Asn; replaces aspartic acid 58 with asparagine.
Molecular consequence: missense variant.
Genome position (GRCh38, 1-based): chr12:69,587,532, G>A. VCF-style: chr12-69587532-G-A. GRCh37 (hg19) VCF-style: chr12-69981312-G-A.
Other names: c.31G>A, p.Asp11Asn (NM_001198842.2); short protein forms D58N, D11N.
Identifiers: ClinVar variation 2770136 (VCV002770136.3), dbSNP rs2498990417, ClinGen allele CA385723865.